The following is an entry in ClinVar:

ClinVar aggregate classification (germline): Uncertain significance. Review status: criteria provided, multiple submitters, no conflicts (2 of 4 stars). 2 submissions from 2 submitters: Uncertain significance (2). Last evaluated 2024-05-02.

Allele frequency attached by ClinVar (database versions not stated): gnomAD exomes below 0.00001; gnomAD 0.00001; TOPMed 0.00006.
gnomAD v4.1: 6 of 1,612,992 alleles (0.00037%); highest among the groups gnomAD compares: Admixed American, 0.0017%; no homozygotes.

Submissions (2):

Ambry Genetics
Classification: Uncertain significance. Last evaluated: 2024-05-02. Review status: criteria provided, single submitter. Criteria: Ambry Variant Classification Scheme 2023. Collection method: clinical testing. Allele origin: germline.

Labcorp Genetics (formerly Invitae), Labcorp
Classification: Uncertain significance. Last evaluated: 2022-08-16. Review status: criteria provided, single submitter. Criteria: Invitae Variant Classification Sherloc (09022015). Collection method: clinical testing. Allele origin: germline.
Comment: Advanced modeling of protein sequence and biophysical properties (such as structural, functional, and spatial information, amino acid conservation, physicochemical variation, residue mobility, and thermodynamic stability) performed at Invitae indicates that this missense variant is not expected to disrupt ATP2B2 protein function. This variant has not been reported in the literature in individuals affected with ATP2B2-related conditions. This variant is present in population databases (no rsID available, gnomAD 0.003%). This sequence change replaces alanine, which is neutral and non-polar, with valine, which is neutral and non-polar, at codon 135 of the ATP2B2 protein (p.Ala135Val). In summary, the available evidence is currently insufficient to determine the role of this variant in disease. Therefore, it has been classified as a Variant of Uncertain Significance.

NM_001001331.4(ATP2B2):c.404C>T (p.Ala135Val)

Gene: ATP2B2 (ATPase plasma membrane Ca2+ transporting 2; minus strand). Cytogenetic location: 3p25.3.
Variant type: single nucleotide variant.
Coding change: c.404C>T on transcript NM_001001331.4 (MANE Select); coding-DNA position 404, C replaced by T.
Protein change: p.Ala135Val; replaces alanine 135 with valine.
Molecular consequence: missense variant.
Genome position (GRCh38, 1-based): chr3:10,402,342, G>A on the plus strand (C>T on the coding strand, the complement: ATP2B2 is on the minus strand). VCF-style: chr3-10402342-G-A. GRCh37 (hg19) VCF-style: chr3-10444026-G-A.
Other names: c.404C>T (NM_001683.3); c.404C>T, p.Ala135Val (NM_001330611.3, NM_001353564.1, NM_001363862.1 and 1 more transcripts); short protein forms A135V.
Identifiers: ClinVar variation 1916925 (VCV001916925.6), dbSNP rs945844574, ClinGen allele CA70077830.